The following is an entry in ClinVar:

NM_000443.4(ABCB4):c.3255C>T (p.Phe1085=)

Gene: ABCB4 (ATP binding cassette subfamily B member 4; minus strand). Cytogenetic location: 7q21.12.
Variant type: single nucleotide variant.
Coding change: c.3255C>T on transcript NM_000443.4 (MANE Select); coding-DNA position 3255, C replaced by T.
Protein change: p.Phe1085=; no amino-acid change (phenylalanine 1085 retained).
Molecular consequence: synonymous variant.
Genome position (GRCh38, 1-based): chr7:87,408,061, G>A on the plus strand (C>T on the coding strand, the complement: ABCB4 is on the minus strand). VCF-style: chr7-87408061-G-A. GRCh37 (hg19) VCF-style: chr7-87037377-G-A.
Other names: c.3255C>T, p.Phe1085= (NM_018849.3); c.3114C>T, p.Phe1038= (NM_018850.3).
Identifiers: ClinVar variation 4846440 (VCV004846440.1).

ClinVar aggregate classification (germline): Likely benign (1 of 4 stars; one submission).

Conditions:
Familial intrahepatic cholestasis. Identifiers: Orphanet 284385, MedGen CN296401, MONDO:0017290.
Low phospholipid associated cholelithiasis (GBD1). Also called: Gallbladder disease 1; Gallstone cholecystitis. Identifiers: Orphanet 69663, MedGen C2609268, MONDO:0010939, OMIM 600803.

gnomAD v4.1: 6 of 1,614,050 alleles (0.00037%); highest among the groups gnomAD compares: Non-Finnish European, 0.00042%; no homozygotes.

Submission:

Genomenon, Inc
Classification: Likely benign for Familial intrahepatic cholestasis; Low phospholipid associated cholelithiasis. Last evaluated: 2026-04-14. Review status: criteria provided, single submitter. Criteria: Genomenon Sequence Variant Interpretation Standards - Updated. Collection method: curation. Allele origin: germline. Affected: no.
Comment: ABCB4 c.3255C>T is a synonymous variant that retains Phenylalanine at residue 1085. This variant has been reported in the published literature (PMID:30079523). It is absent or not present at a significant frequency in gnomAD. This synonymous variant is not predicted to impact splicing. In conclusion, we classify ABCB4 p.Phe1085= (c.3255C>T) as a likely benign variant.

Literature cited by the submitters: PubMed 30079523.